The following is an entry in ClinVar:

ClinVar aggregate classification (germline): Uncertain significance (1 of 4 stars; one submission).

Submission:

Labcorp Genetics (formerly Invitae), Labcorp
Classification: Uncertain significance. Last evaluated: 2023-08-29. Review status: criteria provided, single submitter. Criteria: Invitae Variant Classification Sherloc (09022015). Collection method: clinical testing. Allele origin: germline.
Comment: This sequence change creates a premature translational stop signal (p.Val108Glyfs*6) in the POLR3F gene. It is expected to result in an absent or disrupted protein product. However, the current clinical and genetic evidence is not sufficient to establish whether loss-of-function variants in POLR3F cause disease. This variant is not present in population databases (gnomAD no frequency). This variant has not been reported in the literature in individuals affected with POLR3F-related conditions. In summary, the available evidence is currently insufficient to determine the role of this variant in disease. Therefore, it has been classified as a Variant of Uncertain Significance.

NM_006466.4(POLR3F):c.443dup (p.Val149fs)

Gene: POLR3F (RNA polymerase III subunit F; plus strand). Cytogenetic location: 20p11.23.
Variant type: Duplication.
Coding change: c.443dup on transcript NM_006466.4 (MANE Select); coding-DNA position 443, one base duplicated (A; older notation c.443dupA).
Protein change: p.Val149fs; shifts the reading frame from valine 149.
Molecular consequence: frameshift variant. On other transcripts: non-coding transcript variant (1), intron variant (1).
Genome position (GRCh38, 1-based): chr20:18,480,051, A duplicated; the last of 2 consecutive A bases (chr20:18,480,050-18,480,051); duplicating either gives the same sequence. VCF-style (leftmost placement, unchanged base first): chr20-18480049-G-GA. GRCh37 (hg19) VCF-style: chr20-18460693-G-GA.
Other names: c.320dup, p.Val108fs (NM_001282526.2); c.430-351dup (NM_001410821.1); short protein forms V149fs, V108fs.
Identifiers: ClinVar variation 2752103 (VCV002752103.3), dbSNP rs2517425224, ClinGen allele CA2697547322.